The following is an entry in ClinVar:

ClinVar aggregate classification (germline): Benign/Likely benign. Review status: criteria provided, multiple submitters, no conflicts (2 of 4 stars). 7 submissions from 7 submitters: Benign (2); Likely benign (4). 1 of the submissions does not count toward it. Last evaluated 2026-08-01.

Conditions:
LONP1-related disorder. Also called: LONP1-related condition; LONP1-related disorders.
CODAS syndrome. Also called: CEREBRAL, OCULAR, DENTAL, AURICULAR, AND SKELETAL ANOMALIES SYNDROME. Identifiers: Orphanet 1458, MedGen C1838180, MONDO:0010879, OMIM 600373.

Allele frequency attached by ClinVar (database versions not stated): 1000 Genomes Project 0.00100; 1000 Genomes Project 30x 0.00109; TOPMed 0.00242; ExAC 0.00265; gnomAD 0.00299 and 0.00321; gnomAD exomes 0.00307 and 0.00438; ESP Exome Variant Server 0.00323.
gnomAD v4.1: 6,936 of 1,614,214 alleles (0.43%); highest among the groups gnomAD compares: Non-Finnish European, 0.5%; 27 homozygotes.

Submissions (7):

CeGaT Center for Human Genetics Tuebingen
Classification: Likely benign. Last evaluated: 2026-08-01. Review status: criteria provided, single submitter. Criteria: CeGaT Center For Human Genetics Tuebingen Variant Classification Criteria Version 2. Collection method: clinical testing. Allele origin: germline. Affected: yes. Observed: 18 variant alleles.
Comment: LONP1: BS2

Labcorp Genetics (formerly Invitae), Labcorp
Classification: Benign. Last evaluated: 2026-01-05. Review status: criteria provided, single submitter. Criteria: Invitae Variant Classification Sherloc (09022015). Collection method: clinical testing. Allele origin: germline.

Fulgent Genetics
Classification: Likely benign for CODAS syndrome. Last evaluated: 2022-01-13. Review status: criteria provided, single submitter. Criteria: ACMG Guidelines, 2015. Collection method: clinical testing. Allele origin: unknown.

Laboratorio de Genetica e Diagnostico Molecular, Hospital Israelita Albert Einstein
Classification: Likely benign. Last evaluated: 2020-01-17. Review status: criteria provided, single submitter. Criteria: ACMG Guidelines, 2015. Collection method: clinical testing. Allele origin: germline. Affected: yes.
Comment: ACMG classification criteria: BS2, BP4

Institute for Genomic Medicine (IGM) Clinical Laboratory, Nationwide Children's Hospital
Classification: Benign. Last evaluated: 2017-04-26. Review status: criteria provided, single submitter. Criteria: ACMG Guidelines, 2015. Collection method: clinical testing. Allele origin: germline.
Comment: BS1, BS2; This alteration has an allele frequency that is greater than expected for the associated disease, and was seen in a healthy adult where full penetrance of the disorder is expected at an early age.

Breakthrough Genomics
Classification: Likely benign. Review status: criteria provided, single submitter. Criteria: ACMG Guidelines, 2015. Collection method: not provided. Allele origin: germline. Inheritance: Autosomal recessive inheritance. Affected: yes.

PreventionGenetics, part of Exact Sciences
Classification: Likely benign for LONP1-related condition. Last evaluated: 2019-05-13. Review status: no assertion criteria provided. Collection method: clinical testing. Allele origin: germline. Not counted in ClinVar's aggregate classification.
Comment: This variant is classified as likely benign based on ACMG/AMP sequence variant interpretation guidelines (Richards et al. 2015 PMID: 25741868, with internal and published modifications).

NM_004793.4(LONP1):c.1309G>A (p.Val437Ile)

Gene: LONP1 (lon peptidase 1, mitochondrial; minus strand). Cytogenetic location: 19p13.3.
Variant type: single nucleotide variant.
Coding change: c.1309G>A on transcript NM_004793.4 (MANE Select); coding-DNA position 1309, G replaced by A.
Protein change: p.Val437Ile; replaces valine 437 with isoleucine.
Molecular consequence: missense variant. On other transcripts: non-coding transcript variant (1).
Genome position (GRCh38, 1-based): chr19:5,705,830, C>T on the plus strand (G>A on the coding strand, the complement: LONP1 is on the minus strand). VCF-style: chr19-5705830-C-T. GRCh37 (hg19) VCF-style: chr19-5705841-C-T.
Other names: c.1117G>A, p.Val373Ile (NM_001276479.2); c.721G>A, p.Val241Ile (NM_001276480.1); short protein forms V373I, V437I, V241I.
Identifiers: ClinVar variation 599431 (VCV000599431.45), dbSNP rs139554429, ClinGen allele CA9114750.
Genomic context (GRCh38, chr19:5,705,830, plus strand): 5'-ACTTGAACTCCGAGGAGTGGTTGTCCAGCAGGCCCAGCTTGCTCAGCTCCTCGTCCACAA[C>T]ATCCATGACGTGCTTGGGGACCACGAGCTCCTTCAGGCGCTCCCGGAACTTCTCCTCGAT-3'
Protein context (NP_004784.2, residues 427-447): ELVVPKHVMD[Val437Ile]VDEELSKLGL